The following is an entry in ClinVar:

ClinVar aggregate classification (germline): Likely benign. Review status: criteria provided, single submitter (1 of 4 stars). 2 submissions from 2 submitters: Likely benign (1). 1 of the submissions does not count toward it. Last evaluated 2024-05-03.

Conditions:
AXL-related disorder. Also called: AXL-related condition.

Allele frequency attached by ClinVar (database versions not stated): gnomAD exomes 0.00012; ExAC 0.00015; 1000 Genomes Project 30x 0.00031; 1000 Genomes Project 0.00040; gnomAD 0.00044; TOPMed 0.00044; ESP Exome Variant Server 0.00054.

Submissions (2):

Labcorp Genetics (formerly Invitae), Labcorp
Classification: Likely benign. Last evaluated: 2024-05-03. Review status: criteria provided, single submitter. Criteria: Invitae Variant Classification Sherloc (09022015). Collection method: clinical testing. Allele origin: germline.

PreventionGenetics, part of Exact Sciences
Classification: Likely benign for AXL-related condition. Last evaluated: 2019-03-26. Review status: no assertion criteria provided. Collection method: clinical testing. Allele origin: germline. Not counted in ClinVar's aggregate classification.
Comment: This variant is classified as likely benign based on ACMG/AMP sequence variant interpretation guidelines (Richards et al. 2015 PMID: 25741868, with internal and published modifications).

NM_021913.5(AXL):c.1968C>T (p.Ile656=)

Gene: AXL (AXL receptor tyrosine kinase; plus strand). Cytogenetic location: 19q13.2.
Variant type: single nucleotide variant.
Coding change: c.1968C>T on transcript NM_021913.5 (MANE Select); coding-DNA position 1968, C replaced by T.
Protein change: p.Ile656=; no amino-acid change (isoleucine 656 retained).
Molecular consequence: synonymous variant.
Genome position (GRCh38, 1-based): chr19:41,253,640, C>T. VCF-style: chr19-41253640-C-T. GRCh37 (hg19) VCF-style: chr19-41759545-C-T.
Other names: c.1164C>T, p.Ile388= (NM_001278599.2); c.1941C>T, p.Ile647= (NM_001699.6).
Identifiers: ClinVar variation 3038712 (VCV003038712.4), dbSNP rs79369530, ClinGen allele CA9458530.